The following is an entry in ClinVar:

ClinVar aggregate classification (germline): Uncertain significance (1 of 4 stars; one submission).

Conditions:
Hereditary breast ovarian cancer syndrome. Also called: Breast and ovarian cancer; Hereditary breast and/or ovarian cancer syndrome; Hereditary breast and ovarian cancer; Hereditary breast and ovarian cancer syndrome; Hereditary breast and ovarian cancer syndrome (HBOC); BRCA1- and BRCA2-Associated Hereditary Breast and Ovarian Cancer. Identifiers: Orphanet 145, MedGen C0677776, MeSH D061325, MONDO:0003582. Disease mechanism: loss of function.

Submission:

Labcorp Genetics (formerly Invitae), Labcorp
Classification: Uncertain significance for Hereditary breast ovarian cancer syndrome. Last evaluated: 2025-11-18. Review status: criteria provided, single submitter. Criteria: Invitae Variant Classification Sherloc (09022015). Collection method: clinical testing. Allele origin: germline.
Comment: This variant occurs in a non-coding region of the BRCA2 gene. It does not change the encoded amino acid sequence of the BRCA2 protein. This variant is not present in population databases (gnomAD no frequency). This variant has not been reported in the literature in individuals affected with BRCA2-related conditions. In summary, the available evidence is currently insufficient to determine the role of this variant in disease. Therefore, it has been classified as a Variant of Uncertain Significance.

NM_000059.4(BRCA2):c.-56C>T

Genes: BRCA2 (BRCA2 DNA repair associated; plus strand), LOC106721785 (BRCA2 promoter/silencer region; plus strand). Cytogenetic location: 13q13.1.
Variant type: single nucleotide variant.
Coding change: c.-56C>T on transcript NM_000059.4 (MANE Select); 56 bases upstream of the start codon, C replaced by T.
Molecular consequence: 5 prime UTR variant. On other transcripts: non-coding transcript variant (1), intron variant (1).
Genome position (GRCh38, 1-based): chr13:32,315,651, C>T. VCF-style: chr13-32315651-C-T. GRCh37 (hg19) VCF-style: chr13-32889788-C-T.
Other names: c.-56C>T (NM_001406719.1, NM_001406720.1, NM_001406721.1); c.-319C>T (NM_001406722.1); c.-40+506C>T (NM_001432077.1).
Identifiers: ClinVar variation 4739481 (VCV004739481.1).